The following is an entry in ClinVar:

NM_031407.7(HUWE1):c.8251A>G (p.Thr2751Ala)

Gene: HUWE1 (HECT, UBA and WWE domain containing E3 ubiquitin protein ligase 1; minus strand). Cytogenetic location: Xp11.22.
Variant type: single nucleotide variant.
Coding change: c.8251A>G on transcript NM_031407.7 (MANE Select); coding-DNA position 8251, A replaced by G.
Protein change: p.Thr2751Ala; replaces threonine 2751 with alanine.
Molecular consequence: missense variant.
Genome position (GRCh38, 1-based): chrX:53,554,876, T>C on the plus strand (A>G on the coding strand, the complement: HUWE1 is on the minus strand). VCF-style: chrX-53554876-T-C. GRCh37 (hg19) VCF-style: chrX-53581837-T-C.
Other names: short protein forms T2751A.
Identifiers: ClinVar variation 3769889 (VCV003769889.1).

ClinVar aggregate classification (germline): Uncertain significance (1 of 4 stars; one submission).

Submission:

GeneDx
Classification: Uncertain significance. Last evaluated: 2024-09-12. Review status: criteria provided, single submitter. Criteria: GeneDx Variant Classification Process June 2021. Collection method: clinical testing. Allele origin: germline. Affected: yes.
Comment: Not observed at significant frequency in large population cohorts (gnomAD); In silico analysis indicates that this missense variant does not alter protein structure/function; In silico analysis is inconclusive as to whether the variant alters gene splicing. In the absence of RNA/functional studies, the actual effect of this sequence change is unknown.; Has not been previously published as pathogenic or benign to our knowledge